The following is an entry in ClinVar:

ClinVar aggregate classification (germline): Uncertain significance (1 of 4 stars; one submission).

Conditions:
Melanoma, cutaneous malignant, susceptibility to, 5. Also called: Cutaneous malignant melanoma 5. Identifiers: Orphanet 618, MedGen C2751295, MONDO:0013133, OMIM 613099.

Allele frequency attached by ClinVar (database versions not stated): TOPMed below 0.00001; gnomAD 0.00001; gnomAD exomes 0.00001 and 0.00002; ExAC 0.00002.

Submission:

Labcorp Genetics (formerly Invitae), Labcorp
Classification: Uncertain significance for Melanoma, cutaneous malignant, susceptibility to, 5. Last evaluated: 2025-10-23. Review status: criteria provided, single submitter. Criteria: Invitae Variant Classification Sherloc (09022015). Collection method: clinical testing. Allele origin: germline.
Comment: This sequence change creates a premature translational stop signal (p.Ala57Glyfs*65) in the MC1R gene. While this is not anticipated to result in nonsense mediated decay, it is expected to disrupt the last 261 amino acid(s) of the MC1R protein. This variant is present in population databases (rs746511891, gnomAD 0.004%). This variant has not been reported in the literature in individuals affected with MC1R-related conditions. ClinVar contains an entry for this variant (Variation ID: 1014326). Experimental studies and prediction algorithms are not available or were not evaluated, and the functional significance of this variant is currently unknown. In summary, the available evidence is currently insufficient to determine the role of this variant in disease. Therefore, it has been classified as a Variant of Uncertain Significance.

NM_002386.4(MC1R):c.169dup (p.Ala57fs)

Gene: MC1R (melanocortin 1 receptor; plus strand). Cytogenetic location: 16q24.3.
Variant type: Duplication.
Coding change: c.169dup on transcript NM_002386.4 (MANE Select); coding-DNA position 169, one base duplicated (G; older notation c.169dupG).
Protein change: p.Ala57fs; shifts the reading frame from alanine 57.
Molecular consequence: frameshift variant.
Genome position (GRCh38, 1-based): chr16:89,919,427, G duplicated. VCF-style (leftmost placement, unchanged base first): chr16-89919426-C-CG. GRCh37 (hg19) VCF-style: chr16-89985834-C-CG.
Other names: short protein forms A57fs.
Identifiers: ClinVar variation 1014326 (VCV001014326.7), dbSNP rs746511891, ClinGen allele CA8255511.